The following is an entry in ClinVar:

ClinVar aggregate classification (germline): Uncertain significance (1 of 4 stars; one submission).

Conditions:
Schwartz-Jampel syndrome type 1 (SJS1). Also called: MYOTONIC MYOPATHY, DWARFISM, CHONDRODYSTROPHY, AND OCULAR AND FACIAL ABNORMALITIES; CHONDRODYSTROPHIC MYOTONIA. Identifiers: MedGen C4551479, MONDO:0100435, OMIM 255800.
Lethal Kniest-like syndrome (DDSH). Also called: Dyssegmental Dysplasia. Identifiers: Orphanet 1865, MedGen C1857100, MONDO:0009140, OMIM 224410.

Submission:

Juno Genomics, Hangzhou Juno Genomics, Inc
Classification: Uncertain significance for Lethal Kniest-like syndrome; Schwartz-Jampel syndrome type 1. Review status: criteria provided, single submitter. Criteria: ACMG Guidelines, 2015. Collection method: clinical testing. Allele origin: germline.
Comment: Absent from controls (or at extremely low frequency if recessive) in Genome Aggregation Database.;Missense variant in a gene that has a low rate of benign missense variation.

NM_005529.7(HSPG2):c.5399C>T (p.Pro1800Leu)

Gene: HSPG2 (heparan sulfate proteoglycan 2; minus strand). Cytogenetic location: 1p36.12.
Variant type: single nucleotide variant.
Coding change: c.5399C>T on transcript NM_005529.7 (MANE Select); coding-DNA position 5399, C replaced by T.
Protein change: p.Pro1800Leu; replaces proline 1800 with leucine.
Molecular consequence: missense variant.
Genome position (GRCh38, 1-based): chr1:21,857,191, G>A on the plus strand (C>T on the coding strand, the complement: HSPG2 is on the minus strand). VCF-style: chr1-21857191-G-A. GRCh37 (hg19) VCF-style: chr1-22183684-G-A.
Other names: c.5402C>T, p.Pro1801Leu (NM_001291860.2); short protein forms P1800L, P1801L.
Identifiers: ClinVar variation 5006064 (VCV005006064.2).
Genomic context (GRCh38, chr1:21,857,191, plus strand): 5'-TCCATGGCTCGGGTGGGCAGTTTCCCGTTGTGCAGGCGGGTCCACACCAGGGTATAGGCT[G>A]GGGACTGCAGGGCAAGGCGAAAGGGGGTCATGGGTGGGGCTCAGAGACCCCAGAAGACAG-3'
Protein context (NP_005520.4, residues 1790-1810): TFICTAKSKS[Pro1800Leu]AYTLVWTRLH